The following is an entry in ClinVar:

ClinVar aggregate classification (germline): Uncertain significance (1 of 4 stars; one submission).

Conditions:
Charcot-Marie-Tooth disease type 2. Also called: Charcot-Marie-Tooth type 2. Identifiers: Orphanet 64746, MedGen C0270914, MONDO:0018993.

gnomAD v4.1: 1 of 1,606,236 alleles (0.000062%); highest among the groups gnomAD compares: Non-Finnish European, 0.000085%; no homozygotes.

Submission:

Labcorp Genetics (formerly Invitae), Labcorp
Classification: Uncertain significance for Charcot-Marie-Tooth disease type 2. Last evaluated: 2025-04-18. Review status: criteria provided, single submitter. Criteria: Invitae Variant Classification Sherloc (09022015). Collection method: clinical testing. Allele origin: germline.
Comment: This sequence change affects codon 1305 of the KIF1B mRNA. It is a 'silent' change, meaning that it does not change the encoded amino acid sequence of the KIF1B protein. This variant is not present in population databases (gnomAD no frequency). This variant has not been reported in the literature in individuals affected with KIF1B-related conditions. Algorithms developed to predict the effect of sequence changes on RNA splicing suggest that this variant may disrupt the consensus splice site. In summary, the available evidence is currently insufficient to determine the role of this variant in disease. Therefore, it has been classified as a Variant of Uncertain Significance.

NM_001365951.3(KIF1B):c.4053C>T (p.Ser1351=)

Gene: KIF1B (kinesin family member 1B; plus strand). Cytogenetic location: 1p36.22.
Variant type: single nucleotide variant.
Coding change: c.4053C>T on transcript NM_001365951.3 (MANE Select); coding-DNA position 4053, C replaced by T.
Protein change: p.Ser1351=; no amino-acid change (serine 1351 retained).
Molecular consequence: synonymous variant.
Genome position (GRCh38, 1-based): chr1:10,352,734, C>T. VCF-style: chr1-10352734-C-T. GRCh37 (hg19) VCF-style: chr1-10412792-C-T.
Other names: c.4053C>T, p.Ser1351= (NM_001365952.1); c.3915C>T, p.Ser1305= (NM_015074.3).
Identifiers: ClinVar variation 4804796 (VCV004804796.1).